The following is an entry in ClinVar:

NM_145207.3(AFG2A):c.1A>T (p.Met1Leu)

Gene: AFG2A (AAA ATPase AFG2A; plus strand). Cytogenetic location: 4q28.1.
Variant type: single nucleotide variant.
Coding change: c.1A>T on transcript NM_145207.3 (MANE Select); coding-DNA position 1, A replaced by T.
Protein change: p.Met1Leu; changes the start codon (methionine 1).
Molecular consequence: missense variant, initiator codon variant.
Genome position (GRCh38, 1-based): chr4:122,923,143, A>T. VCF-style: chr4-122923143-A-T. GRCh37 (hg19) VCF-style: chr4-123844298-A-T.
Other names: c.1A>T, p.Met1Leu (NM_001317799.2, NM_001345856.2); short protein forms M1L.
Identifiers: ClinVar variation 664832 (VCV000664832.6), dbSNP rs552219028, ClinGen allele CA3070106.

ClinVar aggregate classification (germline): Uncertain significance (1 of 4 stars; one submission).

Conditions:
Microcephaly-intellectual disability-sensorineural hearing loss-epilepsy-abnormal muscle tone syndrome (NEDHSB). Also called: NEURODEVELOPMENTAL DISORDER WITH HEARING LOSS, SEIZURES, AND BRAIN ABNORMALITIES. Identifiers: Orphanet 457351, MedGen C4225276, MONDO:0014698, OMIM 616577.

gnomAD v4.1: 2 of 1,614,182 alleles (0.00012%); highest among the groups gnomAD compares: Non-Finnish European, 0.00017%; no homozygotes.

Submission:

Labcorp Genetics (formerly Invitae), Labcorp
Classification: Uncertain significance for Microcephaly-intellectual disability-sensorineural hearing loss-epilepsy-abnormal muscle tone syndrome. Last evaluated: 2021-01-16. Review status: criteria provided, single submitter. Criteria: Invitae Variant Classification Sherloc (09022015). Collection method: clinical testing. Allele origin: germline.
Comment: In summary, the available evidence is currently insufficient to determine the role of this variant in disease. Therefore, it has been classified as a Variant of Uncertain Significance. Disruption of the initiator codon has been observed in individual(s) with early-onset epileptic encephalopathy (PMID: 30552426). In at least one individual the data is consistent with the variant being in trans (on the opposite chromosome) from a pathogenic variant. ClinVar contains an entry for this variant (Variation ID: 664832). This variant is present in population databases (rs552219028, ExAC 0.001%). This sequence change affects the initiator methionine of the SPATA5 mRNA. The next in-frame methionine is located at codon 75. Experimental studies and prediction algorithms are not available or were not evaluated, and the functional significance of this variant is currently unknown.

Literature cited by the submitters: PubMed 30552426.